The following is an entry in ClinVar:

NM_000101.4(CYBA):c.129-17T>G

Gene: CYBA (cytochrome b-245 alpha chain; minus strand). Cytogenetic location: 16q24.2.
Variant type: single nucleotide variant.
Coding change: c.129-17T>G on transcript NM_000101.4 (MANE Select); 17 bases into the intron before coding-DNA position 129, T replaced by G.
Molecular consequence: intron variant.
Genome position (GRCh38, 1-based): chr16:88,647,192, A>C on the plus strand (T>G on the coding strand, the complement: CYBA is on the minus strand). VCF-style: chr16-88647192-A-C. GRCh37 (hg19) VCF-style: chr16-88713600-A-C.
Identifiers: ClinVar variation 3626455 (VCV003626455.1).

ClinVar aggregate classification (germline): Uncertain significance (1 of 4 stars; one submission).

Conditions:
Granulomatous disease, chronic, autosomal recessive, cytochrome b-negative. Also called: CGD DUE TO DEFICIENCY OF THE ALPHA SUBUNIT OF CYTOCHROME b; CGD, AUTOSOMAL RECESSIVE CYTOCHROME b-NEGATIVE; CYBA DEFICIENCY; GRANULOMATOUS DISEASE, CHRONIC, AUTOSOMAL RECESSIVE, 4; Chronic granulomatous disease, autosomal, due to deficiency of CYBA. Identifiers: Orphanet 379, MedGen C1856255, MONDO:0009308, OMIM 233690.

gnomAD v4.1: 1 of 1,610,778 alleles (0.000062%); highest among the groups gnomAD compares: Non-Finnish European, 0.000085%; no homozygotes.

Submission:

Labcorp Genetics (formerly Invitae), Labcorp
Classification: Uncertain significance for Granulomatous disease, chronic, autosomal recessive, cytochrome b-negative. Last evaluated: 2024-12-12. Review status: criteria provided, single submitter. Criteria: Invitae Variant Classification Sherloc (09022015). Collection method: clinical testing. Allele origin: germline.
Comment: This sequence change falls in intron 2 of the CYBA gene. It does not directly change the encoded amino acid sequence of the CYBA protein. This variant is not present in population databases (gnomAD no frequency). This variant has not been reported in the literature in individuals affected with CYBA-related conditions. Algorithms developed to predict the effect of sequence changes on RNA splicing suggest that this variant may disrupt the consensus splice site. In summary, the available evidence is currently insufficient to determine the role of this variant in disease. Therefore, it has been classified as a Variant of Uncertain Significance.